The following is an entry in ClinVar:

GRCh37/hg19 15q21.1(chr15:48725063-48784783)

Gene: FBN1 (fibrillin 1; minus strand). Cytogenetic location: 15q21.1.
Variant type: copy number gain.
Identifiers: ClinVar variation 1325470 (VCV001325470.2).

ClinVar aggregate classification (germline): Likely pathogenic (1 of 4 stars; one submission).

Conditions:
Marfan syndrome (MFS). Also called: Marfan syndrome type 1; Marfan's syndrome; FBN1-Related Marfan Syndrome; MARFAN SYNDROME, TYPE I; Marfan syndrome, classic. Identifiers: Orphanet 284963, Orphanet 558, MedGen C0024796, MONDO:0007947, OMIM 154700.

Submission:

Centre of Medical Genetics, University of Antwerp
Classification: Likely pathogenic for Marfan syndrome. Last evaluated: 2021-03-01. Review status: criteria provided, single submitter. Criteria: Submitter's publication. Collection method: research. Allele origin: unknown. Affected: yes.
Comment: PM2, PS7, PP4